The following is an entry in ClinVar:

ClinVar aggregate classification (germline): Likely benign. Review status: criteria provided, single submitter (1 of 4 stars). 2 submissions from 2 submitters: Likely benign (1). 1 of the submissions does not count toward it. Last evaluated 2025-08-17.

Conditions:
LPIN1-related disorder. Also called: LPIN1-related condition.

Allele frequency attached by ClinVar (database versions not stated): TOPMed below 0.00001; ExAC 0.00001; gnomAD exomes 0.00002.
gnomAD v4.1: 26 of 1,614,000 alleles (0.0016%); highest among the groups gnomAD compares: Middle Eastern, 0.016%; no homozygotes.

Submissions (2):

Labcorp Genetics (formerly Invitae), Labcorp
Classification: Likely benign. Last evaluated: 2025-08-17. Review status: criteria provided, single submitter. Criteria: Invitae Variant Classification Sherloc (09022015). Collection method: clinical testing. Allele origin: germline.

PreventionGenetics, part of Exact Sciences
Classification: Likely benign for LPIN1-related condition. Last evaluated: 2019-10-30. Review status: no assertion criteria provided. Collection method: clinical testing. Allele origin: germline. Not counted in ClinVar's aggregate classification.
Comment: This variant is classified as likely benign based on ACMG/AMP sequence variant interpretation guidelines (Richards et al. 2015 PMID: 25741868, with internal and published modifications).

NM_001349206.2(LPIN1):c.2646C>T (p.Val882=)

Gene: LPIN1 (lipin 1; plus strand). Cytogenetic location: 2p25.1.
Variant type: single nucleotide variant.
Coding change: c.2646C>T on transcript NM_001349206.2 (MANE Select); coding-DNA position 2646, C replaced by T.
Protein change: p.Val882=; no amino-acid change (valine 882 retained).
Molecular consequence: synonymous variant. On other transcripts: non-coding transcript variant (1).
Genome position (GRCh38, 1-based): chr2:11,824,656, C>T. VCF-style: chr2-11824656-C-T. GRCh37 (hg19) VCF-style: chr2-11964782-C-T.
Other names: c.2538C>T (NM_145693.2); c.2556C>T, p.Val852= (NM_001261427.3); c.2793C>T, p.Val931= (NM_001261428.3); c.2538C>T, p.Val846= (NM_001349199.2, NM_145693.4); c.2616C>T, p.Val872= (NM_001349200.2, NM_001349201.2); c.2643C>T, p.Val881= (NM_001349202.2, NM_001349203.2); c.2646C>T, p.Val882= (NM_001349204.2, NM_001349205.2); c.2736C>T, p.Val912= (NM_001349207.2); and 1 more.
Identifiers: ClinVar variation 2883360 (VCV002883360.5), dbSNP rs748633390, ClinGen allele CA1534163.